The following is an entry in ClinVar:

NM_153240.5(NPHP3):c.1642C>G (p.Gln548Glu)

Genes: NPHP3-ACAD11 (NPHP3-ACAD11 readthrough (NMD candidate); minus strand), NPHP3 (nephrocystin 3; minus strand). Cytogenetic location: 3q22.1.
Variant type: single nucleotide variant.
Coding change: c.1642C>G on transcript NM_153240.5 (MANE Select); coding-DNA position 1642, C replaced by G.
Protein change: p.Gln548Glu; replaces glutamine 548 with glutamic acid.
Molecular consequence: missense variant. On other transcripts: non-coding transcript variant (1).
Genome position (GRCh38, 1-based): chr3:132,700,435, G>C on the plus strand (C>G on the coding strand, the complement: NPHP3 is on the minus strand). VCF-style: chr3-132700435-G-C. GRCh37 (hg19) VCF-style: chr3-132419279-G-C.
Other names: short protein forms Q548E.
Identifiers: ClinVar variation 1704825 (VCV001704825.2), dbSNP rs2530435139, ClinGen allele CA354583120.

ClinVar aggregate classification (germline): Uncertain significance (1 of 4 stars; one submission).

Submission:

GeneDx
Classification: Uncertain significance. Last evaluated: 2022-03-10. Review status: criteria provided, single submitter. Criteria: GeneDx Variant Classification Process June 2021. Collection method: clinical testing. Allele origin: germline. Affected: yes.
Comment: Not observed at significant frequency in large population cohorts (gnomAD); In silico analysis supports that this missense variant does not alter protein structure/function; Has not been previously published as pathogenic or benign to our knowledge